The following is an entry in ClinVar:

NM_007347.5(AP4E1):c.2866A>C (p.Ser956Arg)

Gene: AP4E1 (adaptor related protein complex 4 subunit epsilon 1; plus strand). Cytogenetic location: 15q21.2.
Variant type: single nucleotide variant.
Coding change: c.2866A>C on transcript NM_007347.5 (MANE Select); coding-DNA position 2866, A replaced by C.
Protein change: p.Ser956Arg; replaces serine 956 with arginine.
Molecular consequence: missense variant.
Genome position (GRCh38, 1-based): chr15:50,997,845, A>C. VCF-style: chr15-50997845-A-C. GRCh37 (hg19) VCF-style: chr15-51290042-A-C.
Other names: c.2641A>C, p.Ser881Arg (NM_001252127.2); short protein forms S956R, S881R.
Identifiers: ClinVar variation 1513175 (VCV001513175.8), dbSNP rs2140935290, ClinGen allele CA392420918.

ClinVar aggregate classification (germline): Uncertain significance (1 of 4 stars; one submission).

Conditions:
Spastic paraplegia. Identifiers: MedGen C0037772, HP:0001258.

Submission:

Labcorp Genetics (formerly Invitae), Labcorp
Classification: Uncertain significance for Spastic paraplegia. Last evaluated: 2022-08-23. Review status: criteria provided, single submitter. Criteria: Invitae Variant Classification Sherloc (09022015). Collection method: clinical testing. Allele origin: germline.
Comment: This sequence change replaces serine, which is neutral and polar, with arginine, which is basic and polar, at codon 956 of the AP4E1 protein (p.Ser956Arg). This variant is not present in population databases (gnomAD no frequency). This variant has not been reported in the literature in individuals affected with AP4E1-related conditions. ClinVar contains an entry for this variant (Variation ID: 1513175). Algorithms developed to predict the effect of missense changes on protein structure and function (SIFT, PolyPhen-2, Align-GVGD) all suggest that this variant is likely to be tolerated. In summary, the available evidence is currently insufficient to determine the role of this variant in disease. Therefore, it has been classified as a Variant of Uncertain Significance.